The following is an entry in ClinVar:

ClinVar aggregate classification (germline): Uncertain significance (1 of 4 stars; one submission).

Submission:

GeneDx
Classification: Uncertain significance. Last evaluated: 2023-07-23. Review status: criteria provided, single submitter. Criteria: GeneDx Variant Classification Process June 2021. Collection method: clinical testing. Allele origin: germline. Affected: yes.
Comment: Not observed at significant frequency in large population cohorts (gnomAD); In silico analysis supports that this missense variant has a deleterious effect on protein structure/function; Has not been previously published as pathogenic or benign to our knowledge

NM_020134.4(DPYSL5):c.265G>C (p.Ala89Pro)

Gene: DPYSL5 (dihydropyrimidinase like 5; plus strand). Cytogenetic location: 2p23.3.
Variant type: single nucleotide variant.
Coding change: c.265G>C on transcript NM_020134.4 (MANE Select); coding-DNA position 265, G replaced by C.
Protein change: p.Ala89Pro; replaces alanine 89 with proline.
Molecular consequence: missense variant.
Genome position (GRCh38, 1-based): chr2:26,924,890, G>C. VCF-style: chr2-26924890-G-C. GRCh37 (hg19) VCF-style: chr2-27147758-G-C.
Other names: c.265G>C, p.Ala89Pro (NM_001253723.2, NM_001253724.2); short protein forms A89P.
Identifiers: ClinVar variation 3361215 (VCV003361215.1).